The following is an entry in ClinVar:

ClinVar aggregate classification (germline): Uncertain significance (1 of 4 stars; one submission).

Conditions:
Brugada syndrome. Also called: Sudden unexpected nocturnal death syndrome; Sudden unexplained nocturnal death syndrome; Sudden Unexplained Death Syndrome; Sudden Unexplained Nocturnal Death Syndrome (SUNDS). Identifiers: Orphanet 130, MedGen C1142166, MONDO:0015263.

Submission:

Labcorp Genetics (formerly Invitae), Labcorp
Classification: Uncertain significance for Brugada syndrome. Last evaluated: 2024-08-05. Review status: criteria provided, single submitter. Criteria: Invitae Variant Classification Sherloc (09022015). Collection method: clinical testing. Allele origin: germline.
Comment: This sequence change replaces cysteine, which is neutral and slightly polar, with tyrosine, which is neutral and polar, at codon 144 of the SCN10A protein (p.Cys144Tyr). This variant is not present in population databases (gnomAD no frequency). This variant has not been reported in the literature in individuals affected with SCN10A-related conditions. Advanced modeling of protein sequence and biophysical properties (such as structural, functional, and spatial information, amino acid conservation, physicochemical variation, residue mobility, and thermodynamic stability) performed at Invitae indicates that this missense variant is expected to disrupt SCN10A protein function with a positive predictive value of 80%. In summary, the available evidence is currently insufficient to determine the role of this variant in disease. Therefore, it has been classified as a Variant of Uncertain Significance.

NM_006514.4(SCN10A):c.431G>A (p.Cys144Tyr)

Gene: SCN10A (sodium voltage-gated channel alpha subunit 10; minus strand). Cytogenetic location: 3p22.2.
Variant type: single nucleotide variant.
Coding change: c.431G>A on transcript NM_006514.4 (MANE Select); coding-DNA position 431, G replaced by A.
Protein change: p.Cys144Tyr; replaces cysteine 144 with tyrosine.
Molecular consequence: missense variant.
Genome position (GRCh38, 1-based): chr3:38,788,995, C>T on the plus strand (G>A on the coding strand, the complement: SCN10A is on the minus strand). VCF-style: chr3-38788995-C-T. GRCh37 (hg19) VCF-style: chr3-38830486-C-T.
Other names: c.431G>A, p.Cys144Tyr (NM_001293306.2, NM_001293307.2); short protein forms C144Y.
Identifiers: ClinVar variation 3661459 (VCV003661459.2).
Genomic context (GRCh38, chr3:38,788,995, plus strand): 5'-AATGATAGCAAATCTACTCACTCAATTTTCTCTGGAAGGTCAGTTCGGGTCATGCACACA[C>T]AATTAACCAAAATAGTGACCGTAATAAATAAACTGAACCACCTGAAAGGCCTGTGTTAAG-3'
Protein context (NP_006505.4, residues 134-154): LFITVTILVN[Cys144Tyr]VCMTRTDLPE